The following is an entry in ClinVar:

NM_000342.4(SLC4A1):c.1805_1866del (p.Arg602fs)

Gene: SLC4A1 (solute carrier family 4 member 1 (Diego blood group); minus strand). Cytogenetic location: 17q21.31.
Variant type: Deletion.
Coding change: c.1805_1866del on transcript NM_000342.4 (MANE Select); coding-DNA positions 1805 to 1866, 62 bases deleted.
Protein change: p.Arg602fs; shifts the reading frame from arginine 602.
Molecular consequence: frameshift variant.
Genome position (GRCh38, 1-based): chr17:44,255,231-44,255,292, 62 bases deleted. GRCh37 (hg19): chr17:42,332,600-42,332,661.
Other names: c.1804_1865del (NM_000342.4); short protein forms R602fs.
Identifiers: ClinVar variation 4533259 (VCV004533259.1).

ClinVar aggregate classification (germline): Pathogenic (1 of 4 stars; one submission).

Conditions:
Inherited distal renal tubular acidosis. Also called: Hereditary Distal Renal Tubular Acidosis. Identifiers: MedGen CN380239, MONDO:1060161.

Submission:

Clinical Genetics and Genomics Laboratory, Noor Shahriyar Hospital
Classification: Pathogenic for Inherited distal renal tubular acidosis. Last evaluated: 2015-05-05. Review status: criteria provided, single submitter. Criteria: ACMG Guidelines, 2015. Collection method: clinical testing. Allele origin: biparental. Affected: yes.
Comment: The NM_000342.4(kAE1):c.1804_1865del, is a nonsense variant in SLC4A1 which is predicted to result in dRTA1 due to a premature stop codon at position 642, and likely results in an absent or disrupted protein product (2015 ACMG guidelines).

Literature cited by the submitters: PubMed 25957428.